The following is an entry in ClinVar:

ClinVar aggregate classification (germline): Uncertain significance (1 of 4 stars; one submission).

Conditions:
PCSK1-related disorder. Also called: PCSK1-related condition.

gnomAD v4.1: 26 of 1,613,972 alleles (0.0016%); highest among the groups gnomAD compares: Non-Finnish European, 0.0019%; no homozygotes.

Submission:

PreventionGenetics, part of Exact Sciences
Classification: Uncertain significance for PCSK1-related condition. Last evaluated: 2025-04-27. Review status: criteria provided, single submitter. Criteria: ACMG Guidelines, 2015. Collection method: clinical testing. Allele origin: germline.
Comment: The PCSK1 c.1814G>A variant is predicted to result in the amino acid substitution p.Arg605His. This variant was observed in a cohort of individuals with obesity, and in vitro functional studies showed inconclusive evidence of loss of function (Supplemental Data Set, Shah et al. 2023. PubMed ID: 36864747). This variant is reported in 0.0035% of alleles in individuals of European (Non-Finnish) descent in gnomAD. At this time, the clinical significance of this variant is uncertain due to the absence of conclusive functional and genetic evidence.

NM_000439.5(PCSK1):c.1814G>A (p.Arg605His)

Genes: CAST (calpastatin; plus strand), PCSK1 (proprotein convertase subtilisin/kexin type 1; minus strand), LOC101929710 (uncharacterized LOC101929710; plus strand). Cytogenetic location: 5q15.
Variant type: single nucleotide variant.
Coding change: c.1814G>A on transcript NM_000439.5 (MANE Select); coding-DNA position 1814, G replaced by A.
Protein change: p.Arg605His; replaces arginine 605 with histidine.
Molecular consequence: missense variant. On other transcripts: intron variant (11).
Genome position (GRCh38, 1-based): chr5:96,394,934, C>T on the plus strand (G>A on the coding strand, the complement: PCSK1 is on the minus strand). VCF-style: chr5-96394934-C-T. GRCh37 (hg19) VCF-style: chr5-95730638-C-T.
Other names: c.-103+15282C>T (NM_001423253.1); c.-175+15282C>T (NM_001423255.1, NM_001423250.1, NM_001423251.1 and 6 more transcripts); c.-40+15282C>T (NM_001423258.1); c.1673G>A, p.Arg558His (NM_001177875.2); short protein forms R605H, R558H.
Identifiers: ClinVar variation 4979159 (VCV004979159.1).